The following is an entry in ClinVar:

ClinVar aggregate classification (germline): Conflicting classifications of pathogenicity. Review status: criteria provided, conflicting classifications (1 of 4 stars). 3 submissions from 3 submitters: Uncertain significance (1); Likely benign (2). Last evaluated 2023-12-19.

Conditions:
Inborn genetic diseases. Identifiers: MedGen C0950123, MeSH D030342.
Primary immunodeficiency with post-measles-mumps-rubella vaccine viral infection. Also called: Immunodeficiency 44. Identifiers: Orphanet 431166, MedGen C4225260, MONDO:0014715, OMIM 616636.

Allele frequency attached by ClinVar (database versions not stated): ExAC 0.00001; gnomAD exomes 0.00001.
gnomAD v4.1: 6 of 1,614,162 alleles (0.00037%); highest among the groups gnomAD compares: South Asian, 0.0011%; no homozygotes.

Submissions (3):

Ambry Genetics
Classification: Likely benign for Inborn genetic diseases. Last evaluated: 2023-12-19. Review status: criteria provided, single submitter. Criteria: Ambry Variant Classification Scheme 2023. Collection method: clinical testing. Allele origin: germline.

Labcorp Genetics (formerly Invitae), Labcorp
Classification: Uncertain significance for Primary immunodeficiency with post-measles-mumps-rubella vaccine viral infection. Last evaluated: 2022-05-12. Review status: criteria provided, single submitter. Criteria: Invitae Variant Classification Sherloc (09022015). Collection method: clinical testing. Allele origin: germline.
Comment: This sequence change replaces valine, which is neutral and non-polar, with isoleucine, which is neutral and non-polar, at codon 834 of the STAT2 protein (p.Val834Ile). This variant is present in population databases (rs201551671, gnomAD 0.003%). This variant has not been reported in the literature in individuals affected with STAT2-related conditions. Advanced modeling of protein sequence and biophysical properties (such as structural, functional, and spatial information, amino acid conservation, physicochemical variation, residue mobility, and thermodynamic stability) performed at Invitae indicates that this missense variant is not expected to disrupt STAT2 protein function. In summary, the available evidence is currently insufficient to determine the role of this variant in disease. Therefore, it has been classified as a Variant of Uncertain Significance.

Blueprint Genetics
Classification: Likely benign. Last evaluated: 2021-12-07. Review status: criteria provided, single submitter. Criteria: ACMG Guidelines, 2015. Collection method: clinical testing. Allele origin: germline.

NM_005419.4(STAT2):c.2500G>A (p.Val834Ile)

Gene: STAT2 (signal transducer and activator of transcription 2; minus strand). Cytogenetic location: 12q13.3.
Variant type: single nucleotide variant.
Coding change: c.2500G>A on transcript NM_005419.4 (MANE Select); coding-DNA position 2500, G replaced by A.
Protein change: p.Val834Ile; replaces valine 834 with isoleucine.
Molecular consequence: missense variant. On other transcripts: 3 prime UTR variant (1).
Genome position (GRCh38, 1-based): chr12:56,343,445, C>T on the plus strand (G>A on the coding strand, the complement: STAT2 is on the minus strand). VCF-style: chr12-56343445-C-T. GRCh37 (hg19) VCF-style: chr12-56737229-C-T.
Other names: c.2500G>A (NM_005419.3); c.2467G>A, p.Val823Ile (NM_001385110.1); c.2401G>A, p.Val801Ile (NM_001385111.1); c.*69G>A (NM_001385113.1); c.2479G>A, p.Val827Ile (NM_001385114.1); c.2458G>A, p.Val820Ile (NM_001385115.1); c.2488G>A, p.Val830Ile (NM_198332.2); short protein forms V801I, V820I, V830I, V823I, V827I, V834I.
Identifiers: ClinVar variation 2197469 (VCV002197469.3), dbSNP rs201551671, ClinGen allele CA6630235.